The following is an entry in ClinVar:

NM_033026.6(PCLO):c.14947C>A (p.Gln4983Lys)

Gene: PCLO (piccolo presynaptic cytomatrix protein; minus strand). Cytogenetic location: 7q21.11.
Variant type: single nucleotide variant.
Coding change: c.14947C>A on transcript NM_033026.6 (MANE Select); coding-DNA position 14947, C replaced by A.
Protein change: p.Gln4983Lys; replaces glutamine 4983 with lysine.
Molecular consequence: missense variant.
Genome position (GRCh38, 1-based): chr7:82,801,578, G>T on the plus strand (C>A on the coding strand, the complement: PCLO is on the minus strand). VCF-style: chr7-82801578-G-T. GRCh37 (hg19) VCF-style: chr7-82430894-G-T.
Other names: short protein forms Q4983K.
Identifiers: ClinVar variation 1387948 (VCV001387948.3), dbSNP rs558871819, ClinGen allele CA4318661.

ClinVar aggregate classification (germline): Uncertain significance (1 of 4 stars; one submission).

Allele frequency attached by ClinVar (database versions not stated): TOPMed 0.00002; gnomAD 0.00004 and 0.00005; 1000 Genomes Project 0.00040; 1000 Genomes Project 30x 0.00062.
gnomAD v4.1: 9 of 1,582,344 alleles (0.00057%); highest among the groups gnomAD compares: African/African-American, 0.011%; no homozygotes.

Submission:

Labcorp Genetics (formerly Invitae), Labcorp
Classification: Uncertain significance. Last evaluated: 2021-10-08. Review status: criteria provided, single submitter. Criteria: Invitae Variant Classification Sherloc (09022015). Collection method: clinical testing. Allele origin: germline.
Comment: This sequence change replaces glutamine with lysine at codon 4983 of the PCLO protein (p.Gln4983Lys). The glutamine residue is weakly conserved and there is a small physicochemical difference between glutamine and lysine. This variant is present in population databases (rs558871819, ExAC 0.03%). This variant has not been reported in the literature in individuals affected with PCLO-related conditions. Algorithms developed to predict the effect of missense changes on protein structure and function are either unavailable or do not agree on the potential impact of this missense change (SIFT: "Tolerated"; PolyPhen-2: "Not Available"; Align-GVGD: "Class C0"). In summary, the available evidence is currently insufficient to determine the role of this variant in disease. Therefore, it has been classified as a Variant of Uncertain Significance.